The following is an entry in ClinVar:

NC_000001.10:g.(?_220088791)_(220445679_?)dup

Genes: IARS2 (isoleucyl-tRNA synthetase 2, mitochondrial; plus strand), EPRS1 (glutamyl-prolyl-tRNA synthetase 1; minus strand), MIR194-1 (microRNA 194-1; minus strand), SLC30A10 (solute carrier family 30 member 10; minus strand), RAB3GAP2 (RAB3 GTPase activating non-catalytic protein subunit 2; minus strand) and 2 more. Cytogenetic location: 1q41.
Variant type: Duplication.
Identifiers: ClinVar variation 3247713 (VCV003247713.1).

ClinVar aggregate classification (germline): Uncertain significance (1 of 4 stars; one submission).

Conditions:
Martsolf syndrome (MARTS). Also called: Congenital cataract with intellectual disability and hypogonadotropic hypogonadism syndrome. Identifiers: Orphanet 1387, MedGen C0796037, MONDO:0023910.
Warburg micro syndrome 2 (WARBM2). Also called: MICRO SYNDROME 2. Identifiers: Orphanet 2510, MedGen C3280214, MONDO:0013641, OMIM 614225.

Submission:

Labcorp Genetics (formerly Invitae), Labcorp
Classification: Uncertain significance for Martsolf syndrome; Warburg micro syndrome 2. Last evaluated: 2023-06-25. Review status: criteria provided, single submitter. Criteria: Invitae Variant Classification Sherloc (09022015). Collection method: clinical testing. Allele origin: unknown.
Comment: In summary, the available evidence is currently insufficient to determine the role of this variant in disease. Therefore, it has been classified as a Variant of Uncertain Significance. This variant has not been reported in the literature in individuals affected with RAB3GAP2-related conditions. A copy number gain of the genomic region encompassing the full coding sequence of the RAB3GAP2 gene has been identified. The boundaries of this event are unknown as they extend beyond the assayed region for this gene and therefore may encompass additional genes. As the precise location of this event is unknown, it may be in tandem or it may be located elsewhere in the genome.